The following is an entry in ClinVar:

ClinVar aggregate classification (germline): Benign/Likely benign. Review status: criteria provided, multiple submitters, no conflicts (2 of 4 stars). 3 submissions from 3 submitters: Benign (1); Likely benign (1). 1 of the submissions does not count toward it. Last evaluated 2026-04-01.

Conditions:
Prostate cancer, somatic. Identifiers: MedGen C4015779.

Submissions (3):

CeGaT Center for Human Genetics Tuebingen
Classification: Likely benign. Last evaluated: 2026-04-01. Review status: criteria provided, single submitter. Criteria: CeGaT Center For Human Genetics Tuebingen Variant Classification Criteria Version 2. Collection method: clinical testing. Allele origin: germline. Affected: yes. Observed: 2 variant alleles.
Comment: ZFHX3-AS1: BS1; ZFHX3: BS1

Mendelics
Classification: Benign. Last evaluated: 2022-05-04. Review status: criteria provided, single submitter. Criteria: Mendelics Assertion Criteria 2019. Collection method: clinical testing. Allele origin: germline.

OMIM
Classification: Pathogenic for PROSTATE CANCER, SOMATIC. Last evaluated: 2005-04-01. Review status: no assertion criteria provided. Collection method: literature only. Allele origin: somatic. Not counted in ClinVar's aggregate classification.

Literature cited by the submitters: PubMed 15750593 (cited by OMIM).

NM_006885.4(ZFHX3):c.10142_10165del (p.Arg3381_Gln3388del)

Genes: ZFHX3 (zinc finger homeobox 3; minus strand), ZFHX3-AS1 (ZFHX3 antisense RNA 1; plus strand). Cytogenetic location: 16q22.2.
Variant type: Deletion.
Coding change: c.10142_10165del on transcript NM_006885.4 (MANE Select); coding-DNA positions 10142 to 10165, 24 bases deleted (GGCAACTACAGCAGCAGCAGCAGC).
Protein change: p.Arg3381_Gln3388del.
Molecular consequence: inframe deletion.
Genome position (GRCh38, 1-based): chr16:72,788,111-72,788,134, GCTGCTGCTGCTGCTGTAGTTGCC deleted on the plus strand (GGCAACTACAGCAGCAGCAGCAGC on the coding strand, the reverse complement: ZFHX3 is on the minus strand); deleting any 24 consecutive bases within chr16:72,788,111-72,788,150 gives the same sequence; the c. name uses the placement nearest the transcript's 3' end. VCF-style (leftmost placement, unchanged base first): chr16-72788110-TGCTGCTGCTGCTGCTGTAGTTGCC-T. GRCh37 (hg19) VCF-style: chr16-72822009-TGCTGCTGCTGCTGCTGTAGTTGCC-T.
Other names: c.7400_7423del, p.Arg2467_Gln2474del (NM_001164766.2).
Identifiers: ClinVar variation 18167 (VCV000018167.45), dbSNP rs727502780, ClinGen allele CA213008.